The following is an entry in ClinVar:

NM_173598.6(KSR2):c.1095C>A (p.Leu365=)

Gene: KSR2 (kinase suppressor of ras 2; minus strand). Cytogenetic location: 12q24.22.
Variant type: single nucleotide variant.
Coding change: c.1095C>A on transcript NM_173598.6 (MANE Select); coding-DNA position 1095, C replaced by A.
Protein change: p.Leu365=; no amino-acid change (leucine 365 retained).
Molecular consequence: synonymous variant.
Genome position (GRCh38, 1-based): chr12:117,667,550, G>T on the plus strand (C>A on the coding strand, the complement: KSR2 is on the minus strand). VCF-style: chr12-117667550-G-T. GRCh37 (hg19) VCF-style: chr12-118105355-G-T.
Identifiers: ClinVar variation 3035598 (VCV003035598.4), dbSNP rs55787786, ClinGen allele CA6816143.

ClinVar aggregate classification (germline): Benign. Review status: criteria provided, single submitter (1 of 4 stars). 2 submissions from 2 submitters: Benign (1). 1 of the submissions does not count toward it. Last evaluated 2024-09-09.

Conditions:
KSR2-related disorder. Also called: KSR2-related condition.

Allele frequency attached by ClinVar (database versions not stated): gnomAD 0.00014; gnomAD exomes 0.00014; TOPMed 0.00025; ExAC 0.00034; 1000 Genomes Project 0.00040; 1000 Genomes Project 30x 0.00047.
gnomAD v4.1: 238 of 1,613,248 alleles (0.015%); highest among the groups gnomAD compares: East Asian, 0.31%; 1 homozygote.

Submissions (2):

Labcorp Genetics (formerly Invitae), Labcorp
Classification: Benign. Last evaluated: 2024-09-09. Review status: criteria provided, single submitter. Criteria: Invitae Variant Classification Sherloc (09022015). Collection method: clinical testing. Allele origin: germline.

PreventionGenetics, part of Exact Sciences
Classification: Likely benign for KSR2-related condition. Last evaluated: 2019-09-26. Review status: no assertion criteria provided. Collection method: clinical testing. Allele origin: germline. Not counted in ClinVar's aggregate classification.
Comment: This variant is classified as likely benign based on ACMG/AMP sequence variant interpretation guidelines (Richards et al. 2015 PMID: 25741868, with internal and published modifications).